The following is an entry in ClinVar:

NM_015331.3(NCSTN):c.392C>T (p.Ala131Val)

Gene: NCSTN (nicastrin; plus strand). Cytogenetic location: 1q23.2.
Variant type: single nucleotide variant.
Coding change: c.392C>T on transcript NM_015331.3 (MANE Select); coding-DNA position 392, C replaced by T.
Protein change: p.Ala131Val; replaces alanine 131 with valine.
Molecular consequence: missense variant.
Genome position (GRCh38, 1-based): chr1:160,349,626, C>T. VCF-style: chr1-160349626-C-T. GRCh37 (hg19) VCF-style: chr1-160319416-C-T.
Other names: c.332C>T, p.Ala111Val (NM_001290184.2); c.392C>T, p.Ala131Val (NM_001290186.2, NM_001349729.2); short protein forms A131V, A111V.
Identifiers: ClinVar variation 1471533 (VCV001471533.8), dbSNP rs201859673, ClinGen allele CA1198690.

ClinVar aggregate classification (germline): Uncertain significance (1 of 4 stars; one submission).

Allele frequency attached by ClinVar (database versions not stated): gnomAD 0.00001; gnomAD exomes 0.00001 and 0.00002; ExAC 0.00002; TOPMed 0.00004.

Submission:

Labcorp Genetics (formerly Invitae), Labcorp
Classification: Uncertain significance. Last evaluated: 2024-08-21. Review status: criteria provided, single submitter. Criteria: Invitae Variant Classification Sherloc (09022015). Collection method: clinical testing. Allele origin: germline.
Comment: This sequence change replaces alanine, which is neutral and non-polar, with valine, which is neutral and non-polar, at codon 131 of the NCSTN protein (p.Ala131Val). This variant is present in population databases (rs201859673, gnomAD 0.006%). This variant has not been reported in the literature in individuals affected with NCSTN-related conditions. ClinVar contains an entry for this variant (Variation ID: 1471533). Invitae Evidence Modeling of protein sequence and biophysical properties (such as structural, functional, and spatial information, amino acid conservation, physicochemical variation, residue mobility, and thermodynamic stability) indicates that this missense variant is not expected to disrupt NCSTN protein function with a negative predictive value of 80%. In summary, the available evidence is currently insufficient to determine the role of this variant in disease. Therefore, it has been classified as a Variant of Uncertain Significance.